The following is an entry in ClinVar:

ClinVar aggregate classification (germline): Uncertain significance. Review status: criteria provided, multiple submitters, no conflicts (2 of 4 stars). 2 submissions from 2 submitters: Uncertain significance (2). Last evaluated 2025-12-23.

gnomAD v4.1: 1 of 1,211,538 alleles (0.000083%); highest among the groups gnomAD compares: Non-Finnish European, 0.00011%; no homozygotes.

Submissions (2):

Labcorp Genetics (formerly Invitae), Labcorp
Classification: Uncertain significance. Last evaluated: 2025-12-23. Review status: criteria provided, single submitter. Criteria: Invitae Variant Classification Sherloc (09022015). Collection method: clinical testing. Allele origin: germline.
Comment: This sequence change replaces aspartic acid, which is acidic and polar, with alanine, which is neutral and non-polar, at codon 85 of the RP2 protein (p.Asp85Ala). This variant is present in population databases (rs782205038, gnomAD 0.001%). This variant has not been reported in the literature in individuals affected with RP2-related conditions. Invitae Evidence Modeling of protein sequence and biophysical properties (such as structural, functional, and spatial information, amino acid conservation, physicochemical variation, residue mobility, and thermodynamic stability) has been performed for this missense variant. However, the output from this modeling did not meet the statistical confidence thresholds required to predict the impact of this variant on RP2 protein function. In summary, the available evidence is currently insufficient to determine the role of this variant in disease. Therefore, it has been classified as a Variant of Uncertain Significance.

Blueprint Genetics
Classification: Uncertain significance. Last evaluated: 2021-11-11. Review status: criteria provided, single submitter. Criteria: ACMG Guidelines, 2015. Collection method: clinical testing. Allele origin: germline.

NM_006915.3(RP2):c.254A>C (p.Asp85Ala)

Gene: RP2 (RP2 activator of ARL3 GTPase; plus strand). Cytogenetic location: Xp11.3.
Variant type: single nucleotide variant.
Coding change: c.254A>C on transcript NM_006915.3 (MANE Select); coding-DNA position 254, A replaced by C.
Protein change: p.Asp85Ala; replaces aspartic acid 85 with alanine.
Molecular consequence: missense variant.
Genome position (GRCh38, 1-based): chrX:46,853,627, A>C. VCF-style: chrX-46853627-A-C. GRCh37 (hg19) VCF-style: chrX-46713062-A-C.
Other names: short protein forms D85A.
Identifiers: ClinVar variation 4747501 (VCV004747501.2).
Genomic context (GRCh38, chrX:46,853,627, plus strand): 5'-AAGACTGTGAGAACTGTAACATCTATATTTTTGATCACTCTGCTACAGTTACCATTGATG[A>C]CTGTACTAACTGCATAATTTTTCTGGGACCCGTGAAAGGCAGCGTGTTTTTCCGGAATTG-3'
Protein context (NP_008846.2, residues 75-95): FDHSATVTID[Asp85Ala]CTNCIIFLGP